The following is an entry in ClinVar:

NM_004793.4(LONP1):c.2453A>C (p.Tyr818Ser)

Gene: LONP1 (lon peptidase 1, mitochondrial; minus strand). Cytogenetic location: 19p13.3.
Variant type: single nucleotide variant.
Coding change: c.2453A>C on transcript NM_004793.4 (MANE Select); coding-DNA position 2453, A replaced by C.
Protein change: p.Tyr818Ser; replaces tyrosine 818 with serine.
Molecular consequence: missense variant. On other transcripts: non-coding transcript variant (1).
Genome position (GRCh38, 1-based): chr19:5,693,637, T>G on the plus strand (A>C on the coding strand, the complement: LONP1 is on the minus strand). VCF-style: chr19-5693637-T-G. GRCh37 (hg19) VCF-style: chr19-5693648-T-G.
Other names: c.2261A>C, p.Tyr754Ser (NM_001276479.2); c.1865A>C, p.Tyr622Ser (NM_001276480.1); short protein forms Y818S, Y622S, Y754S.
Identifiers: ClinVar variation 4768459 (VCV004768459.1).
Genomic context (GRCh38, chr19:5,693,637, plus strand): 5'-GAGGTCACCAGGTAGTCATTGGCGGGGGCGTGCTGCATGAGGAAGGCTCTGGCGAAGGTG[T>G]AGGCTATGCGGGCGCTCTCCTTCATCACCTCCCCCAGCTGGCCTGTCACCTCCAGGCTGC-3'
Protein context (NP_004784.2, residues 808-828): EVMKESARIA[Tyr818Ser]TFARAFLMQH

ClinVar aggregate classification (germline): Uncertain significance (1 of 4 stars; one submission).

gnomAD v4.1: 2 of 1,614,034 alleles (0.00012%); highest among the groups gnomAD compares: Admixed American, 0.0017%; no homozygotes.

Submission:

Labcorp Genetics (formerly Invitae), Labcorp
Classification: Uncertain significance. Last evaluated: 2025-11-03. Review status: criteria provided, single submitter. Criteria: Invitae Variant Classification Sherloc (09022015). Collection method: clinical testing. Allele origin: germline.
Comment: This sequence change replaces tyrosine, which is neutral and polar, with serine, which is neutral and polar, at codon 818 of the LONP1 protein (p.Tyr818Ser). This variant is not present in population databases (gnomAD no frequency). This variant has not been reported in the literature in individuals affected with LONP1-related conditions. Invitae Evidence Modeling of protein sequence and biophysical properties (such as structural, functional, and spatial information, amino acid conservation, physicochemical variation, residue mobility, and thermodynamic stability) indicates that this missense variant is not expected to disrupt LONP1 protein function with a negative predictive value of 95%. In summary, the available evidence is currently insufficient to determine the role of this variant in disease. Therefore, it has been classified as a Variant of Uncertain Significance.